The following is an entry in ClinVar:

ClinVar aggregate classification (germline): Conflicting classifications of pathogenicity. Review status: criteria provided, conflicting classifications (1 of 4 stars). 7 submissions from 7 submitters: Uncertain significance (3); Likely benign (2). 2 of the submissions do not count toward it. Last evaluated 2026-08-06.

Conditions:
Primary hyperoxaluria, type II (HP2). Also called: Primary hyperoxaluria type 2; D-GLYCERATE DEHYDROGENASE DEFICIENCY; GLYCERIC ACIDURIA; GLYOXYLATE REDUCTASE/HYDROXYPYRUVATE REDUCTASE DEFICIENCY; OXALOSIS II. Identifiers: Orphanet 416, Orphanet 93599, MedGen C0268165, MONDO:0009824, OMIM 260000. Disease mechanism: loss of function.
GRHPR-related disorder. Also called: GRHPR-related condition.

Allele frequency attached by ClinVar (database versions not stated): gnomAD exomes 0.00028 and 0.00063; ExAC 0.00067; ESP Exome Variant Server 0.00108; gnomAD 0.00127 and 0.00130; TOPMed 0.00139; 1000 Genomes Project 30x 0.00250; 1000 Genomes Project 0.00260.

Submissions (7):

OLLIN Analises Genomicas, OLLIN
Classification: Uncertain significance. Last evaluated: 2026-08-06. Review status: criteria provided, single submitter. Criteria: ACMG Guidelines 2015 PMID 25741868. Collection method: clinical testing. Allele origin: germline.
Comment: This missense variant, located in exon 3 (of 9), has been reported in ClinVar (accession VCV000366852.23) and in gnomAD with an allele frequency of 0.04%. However, to our knowledge, it has not been reported in the scientific literature. In silico analysis predicts that this variant has a deleterious effect. Another pathogenic variant affecting the same amino acid residue has been reported. According to the currently available evidence, this variant has been classified as uncertain significance (PM5, PP3_M, BS2).

Labcorp Genetics (formerly Invitae), Labcorp
Classification: Likely benign. Last evaluated: 2026-01-31. Review status: criteria provided, single submitter. Criteria: Invitae Variant Classification Sherloc (09022015). Collection method: clinical testing. Allele origin: germline.

Revvity Omics, Revvity
Classification: Uncertain significance for Primary hyperoxaluria, type II. Last evaluated: 2023-05-01. Review status: criteria provided, single submitter. Criteria: ACMG Guidelines, 2015. Collection method: clinical testing. Allele origin: germline.

Genome-Nilou Lab
Classification: Likely benign for Primary hyperoxaluria, type II. Last evaluated: 2021-06-10. Review status: criteria provided, single submitter. Criteria: ACMG Guidelines, 2015. Collection method: clinical testing. Allele origin: germline. Affected: no.

Illumina Laboratory Services, Illumina
Classification: Uncertain significance for Primary hyperoxaluria, type II. Last evaluated: 2018-01-13. Review status: criteria provided, single submitter. Criteria: ICSL Variant Classification Criteria 13 December 2019. Collection method: clinical testing. Allele origin: germline.

PreventionGenetics, part of Exact Sciences
Classification: Likely benign for GRHPR-related condition. Last evaluated: 2022-03-28. Review status: no assertion criteria provided. Collection method: clinical testing. Allele origin: germline. Not counted in ClinVar's aggregate classification.
Comment: This variant is classified as likely benign based on ACMG/AMP sequence variant interpretation guidelines (Richards et al. 2015 PMID: 25741868, with internal and published modifications).

Natera, Inc.
Classification: Likely benign for Primary hyperoxaluria type II. Last evaluated: 2020-06-04. Review status: no assertion criteria provided. Collection method: clinical testing. Allele origin: germline. Not counted in ClinVar's aggregate classification.

NM_012203.2(GRHPR):c.286C>T (p.Arg96Cys)

Gene: GRHPR (glyoxylate and hydroxypyruvate reductase; plus strand). Cytogenetic location: 9p13.2.
Variant type: single nucleotide variant.
Coding change: c.286C>T on transcript NM_012203.2 (MANE Select); coding-DNA position 286, C replaced by T.
Protein change: p.Arg96Cys; replaces arginine 96 with cysteine.
Molecular consequence: missense variant.
Genome position (GRCh38, 1-based): chr9:37,425,993, C>T. VCF-style: chr9-37425993-C-T. GRCh37 (hg19) VCF-style: chr9-37425990-C-T.
Other names: short protein forms R96C.
Identifiers: ClinVar variation 366852 (VCV000366852.24), dbSNP rs78920863, ClinGen allele CA5058973.